The following is an entry in ClinVar:

ClinVar aggregate classification (germline): Uncertain significance (1 of 4 stars; one submission).

Allele frequency attached by ClinVar (database versions not stated): gnomAD exomes below 0.00001.
gnomAD v4.1: 2 of 1,614,154 alleles (0.00012%); highest among the groups gnomAD compares: African/African-American, 0.0013%; no homozygotes.

Submission:

Labcorp Genetics (formerly Invitae), Labcorp
Classification: Uncertain significance. Last evaluated: 2024-05-15. Review status: criteria provided, single submitter. Criteria: Invitae Variant Classification Sherloc (09022015). Collection method: clinical testing. Allele origin: germline.
Comment: This sequence change replaces glycine, which is neutral and non-polar, with arginine, which is basic and polar, at codon 158 of the SNIP1 protein (p.Gly158Arg). This variant is present in population databases (no rsID available, gnomAD 0.0009%). This variant has not been reported in the literature in individuals affected with SNIP1-related conditions. ClinVar contains an entry for this variant (Variation ID: 1402091). Advanced modeling of protein sequence and biophysical properties (such as structural, functional, and spatial information, amino acid conservation, physicochemical variation, residue mobility, and thermodynamic stability) performed at Invitae indicates that this missense variant is not expected to disrupt SNIP1 protein function with a negative predictive value of 80%. In summary, the available evidence is currently insufficient to determine the role of this variant in disease. Therefore, it has been classified as a Variant of Uncertain Significance.

NM_024700.4(SNIP1):c.472G>A (p.Gly158Arg)

Genes: SNIP1 (Smad nuclear interacting protein 1; minus strand), LOC126805704 (BRD4-independent group 4 enhancer GRCh37_chr1:38005292-38006491; plus strand). Cytogenetic location: 1p34.3.
Variant type: single nucleotide variant.
Coding change: c.472G>A on transcript NM_024700.4 (MANE Select); coding-DNA position 472, G replaced by A.
Protein change: p.Gly158Arg; replaces glycine 158 with arginine.
Molecular consequence: missense variant.
Genome position (GRCh38, 1-based): chr1:37,540,611, C>T on the plus strand (G>A on the coding strand, the complement: SNIP1 is on the minus strand). VCF-style: chr1-37540611-C-T. GRCh37 (hg19) VCF-style: chr1-38006212-C-T.
Other names: short protein forms G158R.
Identifiers: ClinVar variation 1402091 (VCV001402091.6), dbSNP rs1291817747, ClinGen allele CA339452163.